The following is an entry in ClinVar:

NM_177438.3(DICER1):c.1038G>T (p.Leu346Phe)

Gene: DICER1 (dicer 1, ribonuclease III; minus strand). Cytogenetic location: 14q32.13.
Variant type: single nucleotide variant.
Coding change: c.1038G>T on transcript NM_177438.3 (MANE Select); coding-DNA position 1038, G replaced by T.
Protein change: p.Leu346Phe; replaces leucine 346 with phenylalanine.
Molecular consequence: missense variant.
Genome position (GRCh38, 1-based): chr14:95,124,534, C>A on the plus strand (G>T on the coding strand, the complement: DICER1 is on the minus strand). VCF-style: chr14-95124534-C-A. GRCh37 (hg19) VCF-style: chr14-95590871-C-A.
Other names: c.1038G>T, p.Leu346Phe (NM_001195573.1, NM_001271282.3, NM_001291628.2 and 1 more transcripts); short protein forms L346F.
Identifiers: ClinVar variation 573521 (VCV000573521.19), dbSNP rs1566802978, ClinGen allele CA390887099.

ClinVar aggregate classification (germline): Uncertain significance. Review status: criteria provided, multiple submitters, no conflicts (2 of 4 stars). 4 submissions from 4 submitters: Uncertain significance (4). Last evaluated 2025-08-05.

Conditions:
DICER1-related tumor predisposition. Also called: DICER1 syndrome; DICER1-related pleuropulmonary blastoma cancer predisposition syndrome. Identifiers: Orphanet 284343, MedGen C3839822, MONDO:0100216.
Global developmental delay - lung cysts - overgrowth - Wilms tumor syndrome. Also called: GLOBAL DEVELOPMENTAL DELAY, LUNG CYSTS, OVERGROWTH, AND WILMS TUMOR; GLOW Syndrome. Identifiers: Orphanet 404476, MedGen C4748924, MONDO:0018445, OMIM 618272.
Hereditary cancer-predisposing syndrome. Also called: Hereditary neoplastic syndrome; Neoplastic Syndromes, Hereditary; Hereditary Cancer Syndrome; Tumor predisposition. Identifiers: Orphanet 140162, MedGen C0027672, MeSH D009386, MONDO:0015356.

Submissions (4):

Labcorp Genetics (formerly Invitae), Labcorp
Classification: Uncertain significance for DICER1-related tumor predisposition. Last evaluated: 2025-08-05. Review status: criteria provided, single submitter. Criteria: Invitae Variant Classification Sherloc (09022015). Collection method: clinical testing. Allele origin: germline.
Comment: This sequence change replaces leucine, which is neutral and non-polar, with phenylalanine, which is neutral and non-polar, at codon 346 of the DICER1 protein (p.Leu346Phe). This variant is not present in population databases (gnomAD no frequency). This variant has not been reported in the literature in individuals affected with DICER1-related conditions. ClinVar contains an entry for this variant (Variation ID: 573521). Invitae Evidence Modeling of protein sequence and biophysical properties (such as structural, functional, and spatial information, amino acid conservation, physicochemical variation, residue mobility, and thermodynamic stability) indicates that this missense variant is not expected to disrupt DICER1 protein function with a negative predictive value of 95%. In summary, the available evidence is currently insufficient to determine the role of this variant in disease. Therefore, it has been classified as a Variant of Uncertain Significance.

Ambry Genetics
Classification: Uncertain significance for Hereditary cancer-predisposing syndrome. Last evaluated: 2024-10-03. Review status: criteria provided, single submitter. Criteria: Ambry Variant Classification Scheme 2023. Collection method: clinical testing. Allele origin: germline.
Comment: The p.L346F variant (also known as c.1038G>T), located in coding exon 7 of the DICER1 gene, results from a G to T substitution at nucleotide position 1038. The leucine at codon 346 is replaced by phenylalanine, an amino acid with highly similar properties. This amino acid position is highly conserved in available vertebrate species. In addition, this alteration is predicted to be tolerated by in silico analysis. Since supporting evidence is limited at this time, the clinical significance of this alteration remains unclear.

Quest Diagnostics Nichols Institute San Juan Capistrano
Classification: Uncertain significance. Last evaluated: 2024-07-24. Review status: criteria provided, single submitter. Criteria: Quest Diagnostics criteria. Collection method: clinical testing. Allele origin: unknown.
Comment: The DICER1 c.1038G>T (p.Leu346Phe) variant has not been reported in individuals with DICER1-related conditions in the published literature. It also has not been reported in large, multi-ethnic general populations (Genome Aggregation Database). Analysis of this variant using bioinformatics tools for the prediction of the effect of amino acid changes on protein structure and function yielded predictions that this variant is damaging. Based on the available information, we are unable to determine the clinical significance of this variant.

Baylor Genetics
Classification: Uncertain significance for Global developmental delay - lung cysts - overgrowth - Wilms tumor syndrome. Last evaluated: 2024-02-26. Review status: criteria provided, single submitter. Criteria: ACMG Guidelines, 2015. Collection method: clinical testing. Allele origin: unknown.